The following is an entry in ClinVar:

NM_001852.4(COL9A2):c.1054-1G>A

Gene: COL9A2 (collagen type IX alpha 2 chain; minus strand). Cytogenetic location: 1p34.2.
Variant type: single nucleotide variant.
Coding change: c.1054-1G>A on transcript NM_001852.4 (MANE Select); the canonical splice acceptor site of the intron before coding-DNA position 1054, G replaced by A.
Molecular consequence: splice acceptor variant.
Genome position (GRCh38, 1-based): chr1:40,305,769, C>T on the plus strand (G>A on the coding strand, the complement: COL9A2 is on the minus strand). VCF-style: chr1-40305769-C-T. GRCh37 (hg19) VCF-style: chr1-40771441-C-T.
Identifiers: ClinVar variation 3004871 (VCV003004871.4), dbSNP rs1328956233, ClinGen allele CA339851199.

ClinVar aggregate classification (germline): Conflicting classifications of pathogenicity. Review status: criteria provided, conflicting classifications (1 of 4 stars). 2 submissions from 2 submitters: Likely pathogenic (1); Uncertain significance (1). Last evaluated 2024-11-19.

Allele frequency attached by ClinVar (database versions not stated): gnomAD exomes below 0.00001.
gnomAD v4.1: 6 of 1,614,156 alleles (0.00037%); highest among the groups gnomAD compares: Non-Finnish European, 0.00051%; no homozygotes.

Submissions (2):

Labcorp Genetics (formerly Invitae), Labcorp
Classification: Uncertain significance. Last evaluated: 2024-11-19. Review status: criteria provided, single submitter. Criteria: Invitae Variant Classification Sherloc (09022015). Collection method: clinical testing. Allele origin: germline.
Comment: This sequence change affects an acceptor splice site in intron 20 of the COL9A2 gene. Variants that disrupt the donor or acceptor splice site typically lead to a loss of protein function (PMID: 16199547), however it is unknown whether splice variants in this region will result in a loss of function. This variant is present in population databases (no rsID available, gnomAD 0.002%). This variant has not been reported in the literature in individuals affected with COL9A2-related conditions. ClinVar contains an entry for this variant (Variation ID: 3004871). Algorithms developed to predict the effect of sequence changes on RNA splicing suggest that this variant may disrupt the consensus splice site. In summary, the available evidence is currently insufficient to determine the role of this variant in disease. Therefore, it has been classified as a Variant of Uncertain Significance.

GeneDx
Classification: Likely pathogenic. Last evaluated: 2024-04-11. Review status: criteria provided, single submitter. Criteria: GeneDx Variant Classification Process June 2021. Collection method: clinical testing. Allele origin: germline. Affected: yes.
Comment: Has not been previously published as pathogenic or benign to our knowledge; Canonical splice site variant predicted to result in aberrant splicing; Other splice variants have been reported in HGMD in association with autosomal dominant multiple epiphyseal dysplasia and autosomal recessive Stickler syndrome (HGMD); Not observed at significant frequency in large population cohorts (gnomAD)

Literature cited by the submitters: PubMed 16199547 (cited by Labcorp Genetics (formerly Invitae), Labcorp).